The following is an entry in ClinVar:

ClinVar aggregate classification (germline): Benign/Likely benign. Review status: criteria provided, multiple submitters, no conflicts (2 of 4 stars). 6 submissions from 6 submitters: Benign (3); Likely benign (2). 1 of the submissions does not count toward it. Last evaluated 2026-01-26.

Conditions:
Hypotension. Also called: Hypotensive disorder; low blood pressure. Identifiers: MedGen C0020649, MONDO:0005468, HP:0002615, MeSH D007022.

Allele frequency attached by ClinVar (database versions not stated): 1000 Genomes Project 0.00519; gnomAD 0.00412 and 0.00435; ESP Exome Variant Server 0.00507; gnomAD exomes 0.00209; TOPMed 0.00468; ExAC 0.00254; 1000 Genomes Project 30x 0.00531.
gnomAD v4.1: 2,928 of 1,614,108 alleles (0.18%); highest among the groups gnomAD compares: African/African-American, 1.1%; 8 homozygotes.

Submissions (6):

Labcorp Genetics (formerly Invitae), Labcorp
Classification: Benign. Last evaluated: 2026-01-26. Review status: criteria provided, single submitter. Criteria: Invitae Variant Classification Sherloc (09022015). Collection method: clinical testing. Allele origin: germline.

Genomic Medicine Center of Excellence, King Faisal Specialist Hospital and Research Centre
Classification: Likely benign. Last evaluated: 2025-08-18. Review status: criteria provided, single submitter. Criteria: ACMG Guidelines, 2015. Collection method: clinical testing. Allele origin: germline.

Blueprint Genetics
Classification: Likely benign. Last evaluated: 2024-11-26. Review status: criteria provided, single submitter. Criteria: ACMG Guidelines, 2015. Collection method: clinical testing. Allele origin: germline.

Genomic Diagnostic Laboratory, Division of Genomic Diagnostics, Children's Hospital of Philadelphia
Classification: Benign. Last evaluated: 2014-12-31. Review status: criteria provided, single submitter. Criteria: DGD Variant Analysis Guidelines. Collection method: clinical testing. Allele origin: unknown.

Breakthrough Genomics
Classification: Benign. Review status: criteria provided, single submitter. Criteria: ACMG Guidelines, 2015. Collection method: not provided. Allele origin: germline. Inheritance: Autosomal dominant inheritance. Affected: yes.

Centre for molecular medicine, Karolinska Institutet
No classification provided. Condition: Hypotension. Review status: no classification provided. Collection method: not provided. Allele origin: not provided. Not counted in ClinVar's aggregate classification.
Comment: hold until published

NM_017637.6(BNC2):c.1868C>A (p.Pro623His)

Genes: BNC2 (basonuclin zinc finger protein 2; minus strand), LOC126860585 (MED14-independent group 3 enhancer GRCh37_chr9:16435259-16436458; plus strand). Cytogenetic location: 9p22.3.
Variant type: single nucleotide variant.
Coding change: c.1868C>A on transcript NM_017637.6 (MANE Select); coding-DNA position 1868, C replaced by A.
Protein change: p.Pro623His; replaces proline 623 with histidine.
Molecular consequence: missense variant.
Genome position (GRCh38, 1-based): chr9:16,436,326, G>T on the plus strand (C>A on the coding strand, the complement: BNC2 is on the minus strand). VCF-style: chr9-16436326-G-T. GRCh37 (hg19) VCF-style: chr9-16436324-G-T.
Other names: c.1742C>A, p.Pro581His (NM_001317939.2); c.1583C>A, p.Pro528His (NM_001317940.2); short protein forms P623H, P581H, P528H.
Identifiers: ClinVar variation 120232 (VCV000120232.12), dbSNP rs114596065, ClinGen allele CA204322.
Genomic context (GRCh38, chr9:16,436,326, plus strand): 5'-TCAATCTTCACAGGCATGCTTGACTTCCTGGGCTTTTTCTTGGGTGCCAGGTCAGCACTG[G>T]GCTCATGGGTGGCCATCATCACTGCTGGCACTACTGGCTCAGAGGGTGGCGGGGGGTGCT-3'
Protein context (NP_060107.3, residues 613-633): VPAVMMATHE[Pro623His]SADLAPKKKP